The following is an entry in ClinVar:

ClinVar aggregate classification (germline): Uncertain significance (1 of 4 stars; one submission).

Conditions:
Baller-Gerold syndrome (BGS). Also called: CRANIOSYNOSTOSIS WITH RADIAL DEFECTS. Identifiers: Orphanet 1225, MedGen C0265308, MONDO:0009039, OMIM 218600.

Submission:

Labcorp Genetics (formerly Invitae), Labcorp
Classification: Uncertain significance for Baller-Gerold syndrome. Last evaluated: 2022-10-07. Review status: criteria provided, single submitter. Criteria: Invitae Variant Classification Sherloc (09022015). Collection method: clinical testing. Allele origin: germline.
Comment: This variant is not present in population databases (gnomAD no frequency). In summary, the available evidence is currently insufficient to determine the role of this variant in disease. Therefore, it has been classified as a Variant of Uncertain Significance. Experimental studies and prediction algorithms are not available or were not evaluated, and the functional significance of this variant is currently unknown. ClinVar contains an entry for this variant (Variation ID: 528930). This variant has not been reported in the literature in individuals affected with RECQL4-related conditions. This variant, c.869_874dup, results in the insertion of 2 amino acid(s) of the RECQL4 protein (p.Gly290_Ala291dup), but otherwise preserves the integrity of the reading frame.

NM_004260.4(RECQL4):c.863GGGCTG[3] (p.288GA[3])

Gene: RECQL4 (RecQ like helicase 4; minus strand). Cytogenetic location: 8q24.3.
Variant type: Microsatellite.
Coding change: c.863GGGCTG[3] on transcript NM_004260.4 (MANE Select); three copies in a row of the 6-base unit GGGCTG starting at c.863; the reference has two copies in a row; one copy, 6 bases duplicated; also written c.869_874dup.
Protein change: p.288GA[3].
Molecular consequence: inframe insertion.
Genome position (GRCh38, 1-based): chr8:144,516,245-144,516,250, CAGCCC duplicated on the plus strand (GGGCTG on the coding strand, the reverse complement: RECQL4 is on the minus strand); duplicating any 6 consecutive bases within chr8:144,516,245-144,516,257 gives the same sequence; the position shown is the placement nearest the transcript's 3' end. VCF-style (leftmost placement, unchanged base first): chr8-144516244-A-ACAGCCC. GRCh37 (hg19) VCF-style: chr8-145741628-A-ACAGCCC.
Other names: c.869_874dup (NM_004260.3).
Identifiers: ClinVar variation 528930 (VCV000528930.5), dbSNP rs1554902664, ClinGen allele CA658797179.